The following is an entry in ClinVar:

ClinVar aggregate classification (germline): Pathogenic/Likely pathogenic. Review status: criteria provided, multiple submitters, no conflicts (2 of 4 stars). 9 submissions from 9 submitters: Pathogenic (1); Likely pathogenic (8). Last evaluated 2025-11-09.

Conditions:
USH2A-related disorder. Also called: USH2A-related disorders; USH2A-related condition. Identifiers: MedGen CN239332.
Retinal dystrophy. Also called: Inherited retinal dystrophy. Identifiers: Orphanet 71862, MedGen C0854723, MeSH D058499, MONDO:0019118, HP:0000556.
Retinitis pigmentosa 39 (RP39). Identifiers: Orphanet 791, MedGen C3151138, MONDO:0013436, OMIM 613809.
Usher syndrome type 2A. Also called: USHER SYNDROME, TYPE IIA; RETINAL DISEASE IN USHER SYNDROME TYPE IIA, MODIFIER OF. Identifiers: Orphanet 231178, Orphanet 886, MedGen C1848634, MONDO:0010169, OMIM 276901.
Retinitis pigmentosa (RP). Identifiers: Orphanet 791, MedGen C0035334, MeSH D012174, MONDO:0019200, OMIM 268000. Inheritance: Autosomal dominant, autosomal recessive and X linked inheritance.

Allele frequency attached by ClinVar (database versions not stated): ExAC 0.00001; gnomAD 0.00001; gnomAD exomes 0.00001; TOPMed 0.00002.
gnomAD v4.1: 10 of 1,613,464 alleles (0.00062%); highest among the groups gnomAD compares: Middle Eastern, 0.016%; no homozygotes.

Submissions (9):

Labcorp Genetics (formerly Invitae), Labcorp
Classification: Likely pathogenic. Last evaluated: 2025-11-09. Review status: criteria provided, single submitter. Criteria: Invitae Variant Classification Sherloc (09022015). Collection method: clinical testing. Allele origin: germline.
Comment: This sequence change replaces tyrosine, which is neutral and polar, with cysteine, which is neutral and slightly polar, at codon 493 of the USH2A protein (p.Tyr493Cys). This variant is present in population databases (rs756570931, gnomAD 0.002%). This missense change has been observed in individuals with clinical features of retinitis pigmentosa (PMID: 28894305, 32037395; internal data). ClinVar contains an entry for this variant (Variation ID: 1213938). Invitae Evidence Modeling of protein sequence and biophysical properties (such as structural, functional, and spatial information, amino acid conservation, physicochemical variation, residue mobility, and thermodynamic stability) has been performed for this missense variant. However, the output from this modeling did not meet the statistical confidence thresholds required to predict the impact of this variant on USH2A protein function. In summary, the currently available evidence indicates that the variant is pathogenic, but additional data are needed to prove that conclusively. Therefore, this variant has been classified as Likely Pathogenic.

Natera, Inc.
Classification: Likely pathogenic for Usher syndrome type 2A. Last evaluated: 2025-04-09. Review status: criteria provided, single submitter. Criteria: Natera Variant Classification Schema (03/2026). Collection method: clinical testing. Allele origin: germline.
Comment: The c.1478A>G variant in USH2A is a missense variant predicted to cause substitution of tyrosine to cysteine at amino acid 493. This variant is rare in the general population with a frequency below the threshold expected for the associated phenotype(s). This variant has been observed in one or more individuals affected with the associated recessive disease, as either homozygous or compound heterozygous with a second variant (PMID: 28894305, 36819107, 36909829, 32037395, 39462066). This variant has been identified in one or more affected individuals with a phenotype highly consistent with the associated gene (PMID: 28894305). Computational prediction algorithms indicate this variant is likely to affect gene or protein function. Given the available evidence, this variant is classified as Likely Pathogenic.

GeneDx
Classification: Likely pathogenic. Last evaluated: 2024-10-21. Review status: criteria provided, single submitter. Criteria: GeneDx Variant Classification Process June 2021. Collection method: clinical testing. Allele origin: germline. Affected: yes.
Comment: Not observed at significant frequency in large population cohorts (gnomAD); In silico analysis supports that this missense variant has a deleterious effect on protein structure/function; This variant is associated with the following publications: (PMID: 36819107, 36909829, 32037395, 28894305, 36460718)

Baylor Genetics
Classification: Likely pathogenic for Retinitis pigmentosa 39. Last evaluated: 2024-03-17. Review status: criteria provided, single submitter. Criteria: ACMG Guidelines, 2015. Collection method: clinical testing. Allele origin: unknown.

Genome-Nilou Lab
Classification: Likely pathogenic for Retinitis pigmentosa 39. Last evaluated: 2023-11-04. Review status: criteria provided, single submitter. Criteria: ACMG Guidelines, 2015. Collection method: clinical testing. Allele origin: germline. Affected: no.

Blueprint Genetics
Classification: Pathogenic for USH2A-related disorders. Last evaluated: 2023-10-25. Review status: criteria provided, single submitter. Criteria: ACMG Guidelines, 2015. Collection method: clinical testing. Allele origin: germline. Affected: yes. Observed: 5 variant alleles.

Ophthalmic Genetics Group, Institute of Molecular and Clinical Ophthalmology Basel
Classification: Likely pathogenic for Retinitis pigmentosa. Last evaluated: 2023-07-24. Review status: criteria provided, single submitter. Criteria: ACMG Guidelines, 2015. Collection method: research. Allele origin: germline. Affected: yes. Observed: 2 variant alleles.
Comment: Clinical significance based on ACMG v2.0

This variant was classified as Likely pathogenic based on ACMG criteria: PP5, PM2.

Institute of Human Genetics, Univ. Regensburg, Univ. Regensburg
Classification: Likely pathogenic for Retinal dystrophy. Last evaluated: 2023-01-01. Review status: criteria provided, single submitter. Criteria: ACMG Guidelines, 2015. Collection method: clinical testing. Allele origin: germline. Affected: yes.

DBGen Ocular Genomics
Classification: Likely pathogenic for Retinitis pigmentosa 39. Last evaluated: 2021-06-23. Review status: criteria provided, single submitter. Criteria: ACMG Guidelines, 2015. Collection method: clinical testing. Allele origin: germline. Affected: yes. Observed: 1 variant allele.

Literature cited by the submitters: PubMed 28894305 (cited by Labcorp Genetics (formerly Invitae), Labcorp and Natera, Inc.); PubMed 32037395 (cited by 3 submitters); PubMed 36819107 (cited by Natera, Inc. and Institute of Human Genetics, Univ. Regensburg, Univ. Regensburg); PubMed 36909829 (cited by Natera, Inc. and Ophthalmic Genetics Group, Institute of Molecular and Clinical Ophthalmology Basel); PubMed 39462066 (cited by Natera, Inc.); PubMed 36460718 (cited by Institute of Human Genetics, Univ. Regensburg, Univ. Regensburg).

NM_206933.4(USH2A):c.1478A>G (p.Tyr493Cys)

Gene: USH2A (usherin; minus strand). Cytogenetic location: 1q41.
Variant type: single nucleotide variant.
Coding change: c.1478A>G on transcript NM_206933.4 (MANE Select); coding-DNA position 1478, A replaced by G.
Protein change: p.Tyr493Cys; replaces tyrosine 493 with cysteine.
Molecular consequence: missense variant.
Genome position (GRCh38, 1-based): chr1:216,323,546, T>C on the plus strand (A>G on the coding strand, the complement: USH2A is on the minus strand). VCF-style: chr1-216323546-T-C. GRCh37 (hg19) VCF-style: chr1-216496888-T-C.
Other names: NP_996816.3:p.(Tyr493Cys); c.1478A>G, p.Tyr493Cys (NM_007123.6); c.1478A>G (NM_206933.2); short protein forms Y493C.
Identifiers: ClinVar variation 1213938 (VCV001213938.16), dbSNP rs756570931, ClinGen allele CA1396505.